The following is an entry in ClinVar:

ClinVar aggregate classification (germline): Uncertain significance (1 of 4 stars; one submission).

Submission:

GeneDx
Classification: Uncertain significance. Last evaluated: 2020-01-06. Review status: criteria provided, single submitter. Criteria: GeneDx Variant Classification Process June 2021. Collection method: clinical testing. Allele origin: germline. Affected: yes.
Comment: Not observed in large population cohorts (Lek et al., 2016); In silico analysis, which includes protein predictors and evolutionary conservation, supports that this variant does not alter protein structure/function; Has not been previously published as pathogenic or benign to our knowledge

NM_177550.5(SLC13A5):c.1558C>G (p.Leu520Val)

Gene: SLC13A5 (solute carrier family 13 member 5; minus strand). Cytogenetic location: 17p13.1.
Variant type: single nucleotide variant.
Coding change: c.1558C>G on transcript NM_177550.5 (MANE Select); coding-DNA position 1558, C replaced by G.
Protein change: p.Leu520Val; replaces leucine 520 with valine.
Molecular consequence: missense variant. On other transcripts: intron variant (1).
Genome position (GRCh38, 1-based): chr17:6,687,546, G>C on the plus strand (C>G on the coding strand, the complement: SLC13A5 is on the minus strand). VCF-style: chr17-6687546-G-C. GRCh37 (hg19) VCF-style: chr17-6590865-G-C.
Other names: c.1507C>G, p.Leu503Val (NM_001284509.2); c.1429C>G, p.Leu477Val (NM_001284510.2); c.1438-1208C>G (NM_001143838.3); short protein forms L477V, L503V, L520V.
Identifiers: ClinVar variation 1311757 (VCV001311757.2), dbSNP rs779246920, ClinGen allele CA397737991.